The following is an entry in ClinVar:

NM_000393.5(COL5A2):c.3411T>C (p.Gly1137=)

Gene: COL5A2 (collagen type V alpha 2 chain; minus strand). Cytogenetic location: 2q32.2.
Variant type: single nucleotide variant.
Coding change: c.3411T>C on transcript NM_000393.5 (MANE Select); coding-DNA position 3411, T replaced by C.
Protein change: p.Gly1137=; no amino-acid change (glycine 1137 retained).
Molecular consequence: synonymous variant.
Genome position (GRCh38, 1-based): chr2:189,043,211, A>G on the plus strand (T>C on the coding strand, the complement: COL5A2 is on the minus strand). VCF-style: chr2-189043211-A-G. GRCh37 (hg19) VCF-style: chr2-189907937-A-G.
Other names: p.Gly1137=; c.3411T>C (NM_000393.4).
Identifiers: ClinVar variation 1164098 (VCV001164098.20), dbSNP rs6434312, ClinGen allele CA2022001.

ClinVar aggregate classification (germline): Benign. Review status: criteria provided, multiple submitters, no conflicts (2 of 4 stars). 8 submissions from 8 submitters: Benign (6). 2 of the submissions do not count toward it. Last evaluated 2026-02-04.

Conditions:
Ehlers-Danlos syndrome, classic type, 2 (EDSCL2). Also called: Ehlers-Danlos syndrome type 2 (formerly); Ehlers-Danlos syndrome, type 2; Ehlers-Danlos Syndrome, Classic Type, COL5A2-Related. Identifiers: Orphanet 287, Orphanet 90318, MedGen C0268336, MONDO:0019568, OMIM 130010.
Ehlers-Danlos syndrome, classic type, 1 (EDSCL1). Also called: EHLERS-DANLOS SYNDROME, GRAVIS TYPE; EHLERS-DANLOS SYNDROME, SEVERE CLASSIC TYPE; Ehlers-Danlos syndrome, type 1; Ehlers-Danlos Syndrome, Classic Type, COL5A1-Related; EDS I. Identifiers: MedGen C0268335, MONDO:0019567, OMIM 130000.

Allele frequency attached by ClinVar (database versions not stated): 1000 Genomes Project 30x 0.93738; 1000 Genomes Project 0.94089; gnomAD exomes 0.94989 and 0.97276; TOPMed 0.95390; ExAC 0.95399; gnomAD 0.96006 and 0.96092; ESP Exome Variant Server 0.97132.
gnomAD v4.1: 1,567,831 of 1,613,866 alleles (97%); highest among the groups gnomAD compares: Non-Finnish European, 98%; 762,338 homozygotes.

Submissions (8):

Labcorp Genetics (formerly Invitae), Labcorp
Classification: Benign for Ehlers-Danlos syndrome, classic type, 1. Last evaluated: 2026-02-04. Review status: criteria provided, single submitter. Criteria: Invitae Variant Classification Sherloc (09022015). Collection method: clinical testing. Allele origin: germline.

Molecular Diagnostic Laboratory for Inherited Cardiovascular Disease, Montreal Heart Institute
Classification: Benign. Last evaluated: 2025-04-09. Review status: criteria provided, single submitter. Criteria: ACMG Guidelines, 2015. Collection method: clinical testing. Allele origin: germline. Affected: no.
Comment: BA1

Blueprint Genetics
Classification: Benign. Last evaluated: 2024-11-26. Review status: criteria provided, single submitter. Criteria: ACMG Guidelines, 2015. Collection method: clinical testing. Allele origin: germline.

Genome-Nilou Lab
Classification: Benign for Ehlers-Danlos syndrome, classic type, 2. Last evaluated: 2021-07-30. Review status: criteria provided, single submitter. Criteria: ACMG Guidelines, 2015. Collection method: clinical testing. Allele origin: germline. Affected: no.

Mayo Clinic Laboratories, Mayo Clinic
Classification: Benign. Last evaluated: 2017-11-07. Review status: criteria provided, single submitter. Criteria: ACMG Guidelines, 2015. Collection method: clinical testing. Allele origin: germline. Observed: 5,375 variant alleles.

Breakthrough Genomics
Classification: Benign. Review status: criteria provided, single submitter. Criteria: ACMG Guidelines, 2015. Collection method: not provided. Allele origin: germline. Inheritance: Autosomal dominant inheritance. Affected: yes.

Diagnostic Laboratory, Department of Genetics, University Medical Center Groningen
Classification: Benign. Review status: no assertion criteria provided. Collection method: clinical testing. Allele origin: germline. Affected: yes. Study: VKGL Data-share Consensus. Not counted in ClinVar's aggregate classification.

Genome Diagnostics Laboratory, Amsterdam University Medical Center
Classification: Benign. Review status: no assertion criteria provided. Collection method: clinical testing. Allele origin: germline. Affected: yes. Study: VKGL Data-share Consensus. Not counted in ClinVar's aggregate classification.